The following is an entry in ClinVar:

ClinVar aggregate classification (germline): Uncertain significance (1 of 4 stars; one submission).

Conditions:
Ataxia-telangiectasia syndrome (AT). Also called: AT, COMPLEMENTATION GROUP C; Ataxia telangiectasia (A-T); ATAXIA-TELANGIECTASIA, COMPLEMENTATION GROUP A; ATAXIA-TELANGIECTASIA, FRESNO VARIANT; Ataxia-telangiectasia, complementation group D; Ataxia-telangiectasia, complementation group E. Identifiers: Orphanet 100, MedGen C0004135, MONDO:0008840, OMIM 208900.

Submission:

Labcorp Genetics (formerly Invitae), Labcorp
Classification: Uncertain significance for Ataxia-telangiectasia syndrome. Last evaluated: 2023-05-16. Review status: criteria provided, single submitter. Criteria: Invitae Variant Classification Sherloc (09022015). Collection method: clinical testing. Allele origin: germline.
Comment: This sequence change replaces asparagine, which is neutral and polar, with tyrosine, which is neutral and polar, at codon 870 of the ATM protein (p.Asn870Tyr). This variant is not present in population databases (gnomAD no frequency). This variant has not been reported in the literature in individuals affected with ATM-related conditions. An algorithm developed to predict the effect of missense changes on protein structure and function (PolyPhen-2) suggests that this variant is likely to be tolerated. In summary, the available evidence is currently insufficient to determine the role of this variant in disease. Therefore, it has been classified as a Variant of Uncertain Significance.

NM_000051.4(ATM):c.2608A>T (p.Asn870Tyr)

Gene: ATM (ATM serine/threonine kinase; plus strand). Cytogenetic location: 11q22.3.
Variant type: single nucleotide variant.
Coding change: c.2608A>T on transcript NM_000051.4 (MANE Select); coding-DNA position 2608, A replaced by T.
Protein change: p.Asn870Tyr; replaces asparagine 870 with tyrosine.
Molecular consequence: missense variant.
Genome position (GRCh38, 1-based): chr11:108,267,312, A>T. VCF-style: chr11-108267312-A-T. GRCh37 (hg19) VCF-style: chr11-108138039-A-T.
Other names: c.2608A>T, p.Asn870Tyr (NM_001351834.2); short protein forms N870Y.
Identifiers: ClinVar variation 2864737 (VCV002864737.3), dbSNP rs61734354, ClinGen allele CA382544144.
Genomic context (GRCh38, chr11:108,267,312, plus strand): 5'-GAGGATCAGTCATCCATGAATCTATTTAACGATTACCCTGATAGTAGTGTTAGTGATGCA[A>T]ACGAACCTGGAGAGAGCCAAAGTACCATAGGTAAATACATATTTACTACTTGGGATTTCT-3'
Protein context (NP_000042.3, residues 860-880): DYPDSSVSDA[Asn870Tyr]EPGESQSTIG